The following is an entry in ClinVar:

NM_000135.4(FANCA):c.3698C>G (p.Ala1233Gly)

Gene: FANCA (FA complementation group A; minus strand). Cytogenetic location: 16q24.3.
Variant type: single nucleotide variant.
Coding change: c.3698C>G on transcript NM_000135.4 (MANE Select); coding-DNA position 3698, C replaced by G.
Protein change: p.Ala1233Gly; replaces alanine 1233 with glycine.
Molecular consequence: missense variant.
Genome position (GRCh38, 1-based): chr16:89,742,867, G>C on the plus strand (C>G on the coding strand, the complement: FANCA is on the minus strand). VCF-style: chr16-89742867-G-C. GRCh37 (hg19) VCF-style: chr16-89809275-G-C.
Other names: c.3698C>G (NM_000135.2); c.3698C>G, p.Ala1233Gly (NM_001286167.3); short protein forms A1233G.
Identifiers: ClinVar variation 1370952 (VCV001370952.7), dbSNP rs545742908, ClinGen allele CA8251017.
Genomic context (GRCh38, chr16:89,742,867, plus strand): 5'-CTCTCGCAGTCCAGCTTCTTTAGCTGCTTCCTGATGTTTTCTTCCCTGACTTGTTGAATC[G>C]CAAAGTGCAGTGCAGCAGCTGAGAGCCAGTCCGGGTTGGGTGCTGGGGAGGCAGCCTCAG-3'
Protein context (NP_000126.2, residues 1223-1243): DWLSAAALHF[Ala1233Gly]IQQVREENIR

ClinVar aggregate classification (germline): Uncertain significance. Review status: criteria provided, multiple submitters, no conflicts (2 of 4 stars). 2 submissions from 2 submitters: Uncertain significance (2). Last evaluated 2025-11-03.

Conditions:
Fanconi anemia (FA). Also called: Fanconi's anemia. Identifiers: Orphanet 84, MedGen C0015625, MeSH D005199, MONDO:0019391.
Inborn genetic diseases. Identifiers: MedGen C0950123, MeSH D030342.

gnomAD v4.1: 6 of 1,613,930 alleles (0.00037%); highest among the groups gnomAD compares: Non-Finnish European, 0.00051%; no homozygotes.

Submissions (2):

Labcorp Genetics (formerly Invitae), Labcorp
Classification: Uncertain significance for Fanconi anemia. Last evaluated: 2025-11-03. Review status: criteria provided, single submitter. Criteria: Invitae Variant Classification Sherloc (09022015). Collection method: clinical testing. Allele origin: germline.
Comment: This sequence change replaces alanine, which is neutral and non-polar, with glycine, which is neutral and non-polar, at codon 1233 of the FANCA protein (p.Ala1233Gly). This variant is present in population databases (rs545742908, gnomAD 0.002%). This variant has not been reported in the literature in individuals affected with FANCA-related conditions. ClinVar contains an entry for this variant (Variation ID: 1370952). Invitae Evidence Modeling of protein sequence and biophysical properties (such as structural, functional, and spatial information, amino acid conservation, physicochemical variation, residue mobility, and thermodynamic stability) indicates that this missense variant is not expected to disrupt FANCA protein function with a negative predictive value of 95%. In summary, the available evidence is currently insufficient to determine the role of this variant in disease. Therefore, it has been classified as a Variant of Uncertain Significance.

Ambry Genetics
Classification: Uncertain significance for Inborn genetic diseases. Last evaluated: 2025-05-18. Review status: criteria provided, single submitter. Criteria: Ambry Variant Classification Scheme 2023. Collection method: clinical testing. Allele origin: germline.
Comment: The p.A1233G variant (also known as c.3698C>G), located in coding exon 37 of the FANCA gene, results from a C to G substitution at nucleotide position 3698. The alanine at codon 1233 is replaced by glycine, an amino acid with similar properties. This amino acid position is conserved. In addition, this alteration is predicted to be tolerated by in silico analysis. Based on the available evidence, the clinical significance of this variant remains unclear.